The following is an entry in ClinVar:

ClinVar aggregate classification (germline): Pathogenic (1 of 4 stars; one submission).

Conditions:
Developmental and epileptic encephalopathy 94 (DEE94). Also called: Epileptic encephalopathy, childhood-onset; CHD2-Related Neurodevelopmental Disorders. Identifiers: Orphanet 1942, Orphanet 2382, MedGen C3809278, MONDO:0014150, OMIM 615369.

Submission:

Labcorp Genetics (formerly Invitae), Labcorp
Classification: Pathogenic for Developmental and epileptic encephalopathy 94. Last evaluated: 2021-11-22. Review status: criteria provided, single submitter. Criteria: Invitae Variant Classification Sherloc (09022015). Collection method: clinical testing. Allele origin: germline.
Comment: This variant has not been reported in the literature in individuals affected with CHD2-related conditions. Algorithms developed to predict the effect of sequence changes on RNA splicing suggest that this variant may disrupt the consensus splice site. For these reasons, this variant has been classified as Pathogenic. This sequence change creates a premature translational stop signal (p.Arg1138Glyfs*19) in the CHD2 gene. It is expected to result in an absent or disrupted protein product. Loss-of-function variants in CHD2 are known to be pathogenic (PMID: 23708187, 24207121). This variant is not present in population databases (gnomAD no frequency).

Literature cited by the submitters: PubMed 23708187; PubMed 24207121.

NM_001271.4(CHD2):c.3412del (p.Arg1138fs)

Gene: CHD2 (chromodomain helicase DNA binding protein 2; plus strand). Cytogenetic location: 15q26.1.
Variant type: Deletion.
Coding change: c.3412del on transcript NM_001271.4 (MANE Select); coding-DNA position 3412, one base deleted (A; older notation c.3412delA).
Protein change: p.Arg1138fs; shifts the reading frame from arginine 1138.
Molecular consequence: frameshift variant.
Genome position (GRCh38, 1-based): chr15:92,985,672, A deleted; the last of 2 consecutive A bases (chr15:92,985,671-92,985,672); deleting either gives the same sequence. VCF-style (leftmost placement, unchanged base first): chr15-92985670-GA-G. GRCh37 (hg19) VCF-style: chr15-93528900-GA-G.
Other names: short protein forms R1138fs.
Identifiers: ClinVar variation 1359923 (VCV001359923.6), dbSNP rs2141852057, ClinGen allele CA2573151336.